The following is an entry in ClinVar:

NM_001308120.2(TOGARAM1):c.2892G>A (p.Leu964=)

Gene: TOGARAM1 (TOG array regulator of axonemal microtubules 1; plus strand). Cytogenetic location: 14q21.2.
Variant type: single nucleotide variant.
Coding change: c.2892G>A on transcript NM_001308120.2 (MANE Select); coding-DNA position 2892, G replaced by A.
Protein change: p.Leu964=; no amino-acid change (leucine 964 retained).
Molecular consequence: synonymous variant. On other transcripts: non-coding transcript variant (1).
Genome position (GRCh38, 1-based): chr14:45,006,255, G>A. VCF-style: chr14-45006255-G-A. GRCh37 (hg19) VCF-style: chr14-45475458-G-A.
Other names: c.2892G>A, p.Leu964= (NM_015091.4).
Identifiers: ClinVar variation 2644204 (VCV002644204.24), dbSNP rs34401395, ClinGen allele CA7167377.

ClinVar aggregate classification (germline): Benign (1 of 4 stars; one submission).

Allele frequency attached by ClinVar (database versions not stated): gnomAD exomes 0.00037; ExAC 0.00118; 1000 Genomes Project 0.00339; 1000 Genomes Project 30x 0.00375; gnomAD 0.00395; TOPMed 0.00459; ESP Exome Variant Server 0.00461.
gnomAD v4.1: 1,167 of 1,608,150 alleles (0.073%); highest among the groups gnomAD compares: African/African-American, 1.4%; 9 homozygotes.

Submission:

CeGaT Center for Human Genetics Tuebingen
Classification: Benign. Last evaluated: 2023-02-01. Review status: criteria provided, single submitter. Criteria: CeGaT Center For Human Genetics Tuebingen Variant Classification Criteria Version 2. Collection method: clinical testing. Allele origin: germline. Affected: yes. Observed: 1 variant allele.
Comment: TOGARAM1: BP4, BP7, BS1, BS2